The following is an entry in ClinVar:

NM_004614.5(TK2):c.328C>T (p.Gln110Ter)

Gene: TK2 (thymidine kinase 2; minus strand). Cytogenetic location: 16q21.
Variant type: single nucleotide variant.
Coding change: c.328C>T on transcript NM_004614.5 (MANE Select); coding-DNA position 328, C replaced by T.
Protein change: p.Gln110Ter; replaces glutamine 110 with a stop codon.
Molecular consequence: nonsense. On other transcripts: non-coding transcript variant (1).
Genome position (GRCh38, 1-based): chr16:66,531,427, G>A on the plus strand (C>T on the coding strand, the complement: TK2 is on the minus strand). VCF-style: chr16-66531427-G-A. GRCh37 (hg19) VCF-style: chr16-66565330-G-A.
Other names: c.235C>T, p.Gln79Ter (NM_001172643.1, NM_001271935.1); c.253C>T, p.Gln85Ter (NM_001172644.2); c.274C>T, p.Gln92Ter (NM_001172645.2); c.181C>T, p.Gln61Ter (NM_001271934.2); c.37C>T, p.Gln13Ter (NM_001272050.2); c.328C>T (NM_004614.4); short protein forms Q110*, Q13*, Q85*, Q61*, Q79*, Q92*.
Identifiers: ClinVar variation 972914 (VCV000972914.3), dbSNP rs1965109135, ClinGen allele CA396190616.

ClinVar aggregate classification (germline): Pathogenic. Review status: criteria provided, multiple submitters, no conflicts (2 of 4 stars). 2 submissions from 2 submitters: Pathogenic (2). Last evaluated 2025-11-24.

Conditions:
Mitochondrial disease. Also called: Mitochondrial disorder; Mitochondrial disorders. Identifiers: Orphanet 68380, MedGen C0751651, MeSH D028361, MONDO:0044970.
Mitochondrial DNA depletion syndrome, myopathic form (MTDPS2). Also called: MITOCHONDRIAL DNA DEPLETION SYNDROME 2 (MYOPATHIC TYPE); MITOCHONDRIAL DNA DEPLETION MYOPATHY, TK2-RELATED; TK2-Related Mitochondrial DNA Maintenance Defect, Myopathic Form. Identifiers: Orphanet 254875, MedGen C3149750, MONDO:0012301, OMIM 609560.

Submissions (2):

Genomenon, Inc
Classification: Pathogenic for Mitochondrial disease. Last evaluated: 2025-11-24. Review status: criteria provided, single submitter. Criteria: Genomenon Sequence Variant Interpretation Standards - Updated. Collection method: curation. Allele origin: germline. Affected: yes.
Comment: TK2 p.Gln110Ter (c.328C>T) is a nonsense variant that introduces a premature stop codon at amino acid position 110, creating a truncated protein that is predicted to undergo nonsense-mediated mRNA decay. This variant has been observed in a proband affected with mitochondrial disease in the compound heterozygous state (33013660). This variant is not present at a significant frequency in gnomAD. In conclusion, we classify TK2 p.Gln110Ter (c.328C>T) as a pathogenic variant.

The Molecular Genetic and Pathologic Diagnosis Center of Neuromuscular Disorder, Children's Hospital of Fudan University
Classification: Pathogenic for mitochondrial DNA depletion syndrome 2 (myopathic type). Last evaluated: 2019-12-01. Review status: criteria provided, single submitter. Criteria: ACMG Guidelines, 2015. Collection method: clinical testing. Allele origin: germline. Affected: yes.

Literature cited by the submitters: PubMed 33013660 (cited by Genomenon, Inc).